The following is an entry in ClinVar:

ClinVar aggregate classification (germline): Pathogenic (1 of 4 stars; one submission).

Submission:

GeneDx
Classification: Pathogenic. Last evaluated: 2025-07-01. Review status: criteria provided, single submitter. Criteria: GeneDx Variant Classification Process June 2021. Collection method: clinical testing. Allele origin: germline.
Comment: Observed in individuals with Hirschsprung disease (PMID: 10946353); Not observed at significant frequency in large population cohorts (gnomAD); In silico analysis supports that this missense variant has a deleterious effect on protein structure/function; This variant is associated with the following publications: (PMID: 22837065, 11316186, 10946353, 14633923)

NM_020975.6(RET):c.2905C>T (p.Arg969Trp)

Gene: RET (ret proto-oncogene; plus strand). Cytogenetic location: 10q11.21.
Variant type: single nucleotide variant.
Coding change: c.2905C>T on transcript NM_020975.6 (MANE Select); coding-DNA position 2905, C replaced by T.
Protein change: p.Arg969Trp; replaces arginine 969 with tryptophan.
Molecular consequence: missense variant.
Genome position (GRCh38, 1-based): chr10:43,123,774, C>T. VCF-style: chr10-43123774-C-T. GRCh37 (hg19) VCF-style: chr10-43619222-C-T.
Other names: c.2617C>T, p.Arg873Trp (NM_001406770.1, NM_001406766.1, NM_001406767.1); c.2467C>T, p.Arg823Trp (NM_001406771.1, NM_001406773.1); c.2509C>T, p.Arg837Trp (NM_001406772.1, NM_001406769.1); c.2380C>T, p.Arg794Trp (NM_001406774.1); c.2179C>T, p.Arg727Trp (NM_001406775.1, NM_001406776.1, NM_001406777.1 and 1 more transcripts); c.2008C>T, p.Arg670Trp (NM_001406779.1, NM_001406780.1, NM_001406781.1 and 1 more transcripts); c.2905C>T, p.Arg969Trp (NM_020630.7, NM_000323.2, NM_001406743.1 and 4 more transcripts); c.2143C>T, p.Arg715Trp (NM_001355216.2); and 10 more; short protein forms R486W, R534W, R574W, R625W, R627W, R630W, R639W, R670W.
Identifiers: ClinVar variation 1801002 (VCV001801002.2), dbSNP rs2133006451, ClinGen allele CA376557926.